The following is an entry in ClinVar:

NM_000264.5(PTCH1):c.1063G>C (p.Val355Leu)

Gene: PTCH1 (patched 1; minus strand). Cytogenetic location: 9q22.32.
Variant type: single nucleotide variant.
Coding change: c.1063G>C on transcript NM_000264.5 (MANE Select); coding-DNA position 1063, G replaced by C.
Protein change: p.Val355Leu; replaces valine 355 with leucine.
Molecular consequence: missense variant. On other transcripts: non-coding transcript variant (1).
Genome position (GRCh38, 1-based): chr9:95,479,973, C>G on the plus strand (G>C on the coding strand, the complement: PTCH1 is on the minus strand). VCF-style: chr9-95479973-C-G. GRCh37 (hg19) VCF-style: chr9-98242255-C-G.
Other names: c.865G>C, p.Val289Leu (NM_001083602.3); c.1060G>C, p.Val354Leu (NM_001083603.3); c.610G>C, p.Val204Leu (NM_001083604.3, NM_001083605.3, NM_001083606.3 and 1 more transcripts); c.1063G>C, p.Val355Leu (NM_001354918.2); short protein forms V355L, V204L, V289L, V354L.
Identifiers: ClinVar variation 2452572 (VCV002452572.2), dbSNP rs555332902, ClinGen allele CA374119565.

ClinVar aggregate classification (germline): Uncertain significance (1 of 4 stars; one submission).

Conditions:
Hereditary cancer-predisposing syndrome. Also called: Neoplastic Syndromes, Hereditary; Tumor predisposition; Hereditary neoplastic syndrome; Hereditary Cancer Syndrome. Identifiers: Orphanet 140162, MedGen C0027672, MeSH D009386, MONDO:0015356.

Submission:

Ambry Genetics
Classification: Uncertain significance for Hereditary cancer-predisposing syndrome. Last evaluated: 2023-02-16. Review status: criteria provided, single submitter. Criteria: Ambry Variant Classification Scheme 2023. Collection method: clinical testing. Allele origin: germline.
Comment: The p.V355L variant (also known as c.1063G>C), located in coding exon 7 of the PTCH1 gene, results from a G to C substitution at nucleotide position 1063. The valine at codon 355 is replaced by leucine, an amino acid with highly similar properties. This amino acid position is conserved. In addition, this alteration is predicted to be tolerated by in silico analysis. Since supporting evidence is limited at this time, the clinical significance of this alteration remains unclear.